The following is an entry in ClinVar:

ClinVar aggregate classification (germline): Uncertain significance (1 of 4 stars; one submission).

Allele frequency attached by ClinVar (database versions not stated): gnomAD exomes below 0.00001.
gnomAD v4.1: 4 of 1,612,782 alleles (0.00025%); highest among the groups gnomAD compares: Middle Eastern, 0.05%; no homozygotes.

Submission:

Labcorp Genetics (formerly Invitae), Labcorp
Classification: Uncertain significance. Last evaluated: 2022-02-10. Review status: criteria provided, single submitter. Criteria: Invitae Variant Classification Sherloc (09022015). Collection method: clinical testing. Allele origin: germline.
Comment: This sequence change falls in intron 5 of the CCBE1 gene. It does not directly change the encoded amino acid sequence of the CCBE1 protein. It affects a nucleotide within the consensus splice site. This variant is not present in population databases (gnomAD no frequency). This variant has not been reported in the literature in individuals affected with CCBE1-related conditions. Variants that disrupt the consensus splice site are a relatively common cause of aberrant splicing (PMID: 17576681, 9536098). Algorithms developed to predict the effect of sequence changes on RNA splicing suggest that this variant is not likely to affect RNA splicing. In summary, the available evidence is currently insufficient to determine the role of this variant in disease. Therefore, it has been classified as a Variant of Uncertain Significance.

Literature cited by the submitters: PubMed 17576681; PubMed 9536098.

NM_133459.4(CCBE1):c.554-3C>T

Gene: CCBE1 (collagen and calcium binding EGF domains 1; minus strand). Cytogenetic location: 18q21.32.
Variant type: single nucleotide variant.
Coding change: c.554-3C>T on transcript NM_133459.4 (MANE Select); 3 bases into the intron before coding-DNA position 554, C replaced by T.
Molecular consequence: intron variant.
Genome position (GRCh38, 1-based): chr18:59,454,954, G>A on the plus strand (C>T on the coding strand, the complement: CCBE1 is on the minus strand). VCF-style: chr18-59454954-G-A. GRCh37 (hg19) VCF-style: chr18-57122186-G-A.
Identifiers: ClinVar variation 1497997 (VCV001497997.3), dbSNP rs1911116370, ClinGen allele CA2306918217.